The following is an entry in ClinVar:

NM_000038.6(APC):c.8345_8359dup (p.Tyr2786_Asn2787insThrProPheAsnTyr)

Gene: APC (APC regulator of Wnt signaling pathway; plus strand). Cytogenetic location: 5q22.2.
Variant type: Duplication.
Coding change: c.8345_8359dup on transcript NM_000038.6 (MANE Select); coding-DNA positions 8345 to 8359, 15 bases duplicated (CTCCTTTTAATTACA).
Protein change: p.Tyr2786_Asn2787insThrProPheAsnTyr.
Molecular consequence: inframe insertion. On other transcripts: inframe indel (20).
Genome position (GRCh38, 1-based): chr5:112,843,939-112,843,953, CTCCTTTTAATTACA duplicated; duplicating any 15 consecutive bases within chr5:112,843,938-112,843,953 gives the same sequence; the c. name uses the placement nearest the transcript's 3' end. VCF-style (leftmost placement, unchanged base first): chr5-112843937-G-GACTCCTTTTAATTAC. GRCh37 (hg19) VCF-style: chr5-112179634-G-GACTCCTTTTAATTAC.
Other names: c.8345_8359dup, p.Tyr2786_Asn2787insThrProPheAsnTyr (NM_001127510.3, NM_001354895.2, NM_001407450.1); c.8291_8305dup, p.Tyr2768_Asn2769insThrProPheAsnTyr (NM_001127511.3); c.8399_8413dup, p.Tyr2804_Asn2805insThrProPheAsnTyr (NM_001354896.2, NM_001407447.1, NM_001407448.1 and 1 more transcripts); c.8375_8389dup, p.Tyr2796_Asn2797insThrProPheAsnTyr (NM_001354897.2); c.8270_8284dup, p.Tyr2761_Asn2762insThrProPheAsnTyr (NM_001354898.2); c.8261_8275dup, p.Tyr2758_Asn2759insThrProPheAsnTyr (NM_001354899.2); c.8222_8236dup, p.Tyr2745_Asn2746insThrProPheAsnTyr (NM_001354900.2); c.8168_8182dup, p.Tyr2727_Asn2728insThrProPheAsnTyr (NM_001354901.2, NM_001407453.1); and 11 more.
Identifiers: ClinVar variation 1763009 (VCV001763009.2), dbSNP rs2533860935, ClinGen allele CA2580072472.

ClinVar aggregate classification (germline): Uncertain significance (1 of 4 stars; one submission).

Conditions:
Hereditary cancer-predisposing syndrome. Also called: Neoplastic Syndromes, Hereditary; Tumor predisposition; Hereditary Cancer Syndrome; Hereditary neoplastic syndrome. Identifiers: Orphanet 140162, MedGen C0027672, MeSH D009386, MONDO:0015356.

Submission:

Ambry Genetics
Classification: Uncertain significance for Hereditary cancer-predisposing syndrome. Last evaluated: 2017-10-16. Review status: criteria provided, single submitter. Criteria: Ambry Variant Classification Scheme 2023. Collection method: clinical testing. Allele origin: germline.
Comment: The c.8345_8359dup15 variant (also known as p.T2782_Y2786dup), located in coding exon 15 of the APC gene, results from an in-frame duplication of 15 nucleotides at positions 8345 to 8359. This results in the insertion of 5 extra amino acids (TPFNY) between codons 2782 and 2786. The amino acid region is well-conserved in available vertebrate species. Since supporting evidence is limited at this time, the clinical significance of this alteration remains unclear.